The following is an entry in ClinVar:

ClinVar aggregate classification (germline): Uncertain significance (1 of 4 stars; one submission).

Allele frequency attached by ClinVar (database versions not stated): gnomAD exomes 0.00001.

Submission:

Labcorp Genetics (formerly Invitae), Labcorp
Classification: Uncertain significance. Last evaluated: 2022-07-26. Review status: criteria provided, single submitter. Criteria: Invitae Variant Classification Sherloc (09022015). Collection method: clinical testing. Allele origin: germline.
Comment: Algorithms developed to predict the effect of missense changes on protein structure and function are either unavailable or do not agree on the potential impact of this missense change (SIFT: "Deleterious"; PolyPhen-2: "Not Available"; Align-GVGD: "Class C0"). In summary, the available evidence is currently insufficient to determine the role of this variant in disease. Therefore, it has been classified as a Variant of Uncertain Significance. ClinVar contains an entry for this variant (Variation ID: 1467885). This sequence change replaces proline, which is neutral and non-polar, with arginine, which is basic and polar, at codon 2430 of the PCLO protein (p.Pro2430Arg). The frequency data for this variant in the population databases is considered unreliable, as metrics indicate poor data quality at this position in the gnomAD database. This variant has not been reported in the literature in individuals affected with PCLO-related conditions.

NM_033026.6(PCLO):c.7289C>G (p.Pro2430Arg)

Gene: PCLO (piccolo presynaptic cytomatrix protein; minus strand). Cytogenetic location: 7q21.11.
Variant type: single nucleotide variant.
Coding change: c.7289C>G on transcript NM_033026.6 (MANE Select); coding-DNA position 7289, C replaced by G.
Protein change: p.Pro2430Arg; replaces proline 2430 with arginine.
Molecular consequence: missense variant.
Genome position (GRCh38, 1-based): chr7:82,953,664, G>C on the plus strand (C>G on the coding strand, the complement: PCLO is on the minus strand). VCF-style: chr7-82953664-G-C. GRCh37 (hg19) VCF-style: chr7-82582980-G-C.
Other names: c.7289C>G, p.Pro2430Arg (NM_014510.3); short protein forms P2430R.
Identifiers: ClinVar variation 1467885 (VCV001467885.6), dbSNP rs1355641470, ClinGen allele CA367917305.
Genomic context (GRCh38, chr7:82,953,664, plus strand): 5'-GTCACTGGAGATGCAACTGTTAACTTTTTTTTAGGAAGAATAGTTGGTTTAGGTGAAGTT[G>C]GTGGAGGAAGTGGTGGGGGAGGAGGGGGTGGTGGTGGAGGAGGAGGAGGAGGGGGAGGGG-3'
Protein context (NP_149015.2, residues 2420-2440): PPPPPPPLPP[Pro2430Arg]TSPKPTILPK